The following is an entry in ClinVar:

NM_006015.6(ARID1A):c.6735C>T (p.Asp2245=)

Gene: ARID1A (AT-rich interaction domain 1A; plus strand). Cytogenetic location: 1p36.11.
Variant type: single nucleotide variant.
Coding change: c.6735C>T on transcript NM_006015.6 (MANE Select); coding-DNA position 6735, C replaced by T.
Protein change: p.Asp2245=; no amino-acid change (aspartic acid 2245 retained).
Molecular consequence: synonymous variant.
Genome position (GRCh38, 1-based): chr1:26,780,633, C>T. VCF-style: chr1-26780633-C-T. GRCh37 (hg19) VCF-style: chr1-27107124-C-T.
Other names: c.6084C>T, p.Asp2028= (NM_139135.4).
Identifiers: ClinVar variation 2111242 (VCV002111242.28), dbSNP rs767587111, ClinGen allele CA707891.

ClinVar aggregate classification (germline): Likely benign. Review status: criteria provided, multiple submitters, no conflicts (2 of 4 stars). 2 submissions from 2 submitters: Likely benign (2). Last evaluated 2024-12-10.

Allele frequency attached by ClinVar (database versions not stated): ExAC 0.00001; gnomAD exomes 0.00001; TOPMed 0.00001.
gnomAD v4.1: 17 of 1,612,792 alleles (0.0011%); highest among the groups gnomAD compares: East Asian, 0.0022%; no homozygotes.

Submissions (2):

Labcorp Genetics (formerly Invitae), Labcorp
Classification: Likely benign. Last evaluated: 2024-12-10. Review status: criteria provided, single submitter. Criteria: Invitae Variant Classification Sherloc (09022015). Collection method: clinical testing. Allele origin: germline.

CeGaT Center for Human Genetics Tuebingen
Classification: Likely benign. Last evaluated: 2023-09-01. Review status: criteria provided, single submitter. Criteria: CeGaT Center For Human Genetics Tuebingen Variant Classification Criteria Version 2. Collection method: clinical testing. Allele origin: germline. Affected: yes. Observed: 1 variant allele.
Comment: ARID1A: BP4, BP7